The following is an entry in ClinVar:

ClinVar aggregate classification (germline): Uncertain significance. Review status: criteria provided, multiple submitters, no conflicts (2 of 4 stars). 2 submissions from 2 submitters: Uncertain significance (2). Last evaluated 2023-04-26.

Conditions:
Primary ciliary dyskinesia. Also called: Ciliary dyskinesia. Identifiers: Orphanet 244, MedGen C0008780, MONDO:0016575, HP:0012265.

Allele frequency attached by ClinVar (database versions not stated): gnomAD 0.00001; TOPMed 0.00001.
gnomAD v4.1: 2 of 1,613,682 alleles (0.00012%); highest among the groups gnomAD compares: African/African-American, 0.0013%; no homozygotes.

Submissions (2):

Ambry Genetics
Classification: Uncertain significance for Primary ciliary dyskinesia. Last evaluated: 2023-04-26. Review status: criteria provided, single submitter. Criteria: Ambry Variant Classification Scheme 2023. Collection method: clinical testing. Allele origin: germline.

Labcorp Genetics (formerly Invitae), Labcorp
Classification: Uncertain significance for Primary ciliary dyskinesia. Last evaluated: 2022-04-01. Review status: criteria provided, single submitter. Criteria: Invitae Variant Classification Sherloc (09022015). Collection method: clinical testing. Allele origin: germline.
Comment: This sequence change replaces valine, which is neutral and non-polar, with isoleucine, which is neutral and non-polar, at codon 74 of the DNAH5 protein (p.Val74Ile). This variant is not present in population databases (gnomAD no frequency). This variant has not been reported in the literature in individuals affected with DNAH5-related conditions. Advanced modeling of protein sequence and biophysical properties (such as structural, functional, and spatial information, amino acid conservation, physicochemical variation, residue mobility, and thermodynamic stability) performed at Invitae indicates that this missense variant is not expected to disrupt DNAH5 protein function. In summary, the available evidence is currently insufficient to determine the role of this variant in disease. Therefore, it has been classified as a Variant of Uncertain Significance.

NM_001369.3(DNAH5):c.220G>A (p.Val74Ile)

Gene: DNAH5 (dynein axonemal heavy chain 5; minus strand). Cytogenetic location: 5p15.2.
Variant type: single nucleotide variant.
Coding change: c.220G>A on transcript NM_001369.3 (MANE Select); coding-DNA position 220, G replaced by A.
Protein change: p.Val74Ile; replaces valine 74 with isoleucine.
Molecular consequence: missense variant.
Genome position (GRCh38, 1-based): chr5:13,928,151, C>T on the plus strand (G>A on the coding strand, the complement: DNAH5 is on the minus strand). VCF-style: chr5-13928151-C-T. GRCh37 (hg19) VCF-style: chr5-13928260-C-T.
Other names: c.220G>A (NM_001369.2); short protein forms V74I.
Identifiers: ClinVar variation 2164289 (VCV002164289.3), dbSNP rs1778072400, ClinGen allele CA359227275.